The following is an entry in ClinVar:

ClinVar aggregate classification (germline): Uncertain significance (1 of 4 stars; one submission).

Submission:

GeneDx
Classification: Uncertain significance. Last evaluated: 2025-06-30. Review status: criteria provided, single submitter. Criteria: GeneDx Variant Classification Process June 2021. Collection method: clinical testing. Allele origin: germline.
Comment: Not observed at significant frequency in large population cohorts (gnomAD); In silico analysis supports that this missense variant has a deleterious effect on protein structure/function; Has not been previously published as pathogenic or benign in association with specific clinical features to our knowledge; This variant is associated with the following publications: (PMID: 33726816)

NM_001378414.1(HDAC4):c.2606G>A (p.Arg869His)

Gene: HDAC4 (histone deacetylase 4; minus strand). Cytogenetic location: 2q37.3.
Variant type: single nucleotide variant.
Coding change: c.2606G>A on transcript NM_001378414.1 (MANE Select); coding-DNA position 2606, G replaced by A.
Protein change: p.Arg869His; replaces arginine 869 with histidine.
Molecular consequence: missense variant.
Genome position (GRCh38, 1-based): chr2:239,082,148, C>T on the plus strand (G>A on the coding strand, the complement: HDAC4 is on the minus strand). VCF-style: chr2-239082148-C-T. GRCh37 (hg19) VCF-style: chr2-240003844-C-T.
Other names: c.2606G>A, p.Arg869His (NM_001378415.1); c.2591G>A, p.Arg864His (NM_001378416.1, NM_001378417.1, NM_006037.4); short protein forms R864H, R869H.
Identifiers: ClinVar variation 3343939 (VCV003343939.2).